The following is an entry in ClinVar:

NM_001244008.2(KIF1A):c.527C>T (p.Pro176Leu)

Gene: KIF1A (kinesin family member 1A; minus strand). Cytogenetic location: 2q37.3.
Variant type: single nucleotide variant.
Coding change: c.527C>T on transcript NM_001244008.2 (MANE Select); coding-DNA position 527, C replaced by T.
Protein change: p.Pro176Leu; replaces proline 176 with leucine.
Molecular consequence: missense variant.
Genome position (GRCh38, 1-based): chr2:240,786,416, G>A on the plus strand (C>T on the coding strand, the complement: KIF1A is on the minus strand). VCF-style: chr2-240786416-G-A. GRCh37 (hg19) VCF-style: chr2-241725833-G-A.
Other names: c.527C>T, p.Pro176Leu (NM_001320705.2, NM_001330289.2, NM_001330290.2 and 20 more transcripts); short protein forms P176L.
Identifiers: ClinVar variation 930566 (VCV000930566.3), dbSNP rs2054754659, ClinGen allele CA351306212.

ClinVar aggregate classification (germline): Uncertain significance (1 of 4 stars; one submission).

Conditions:
Neuropathy, hereditary sensory and autonomic, type 2A (HSAN2A). Also called: MORVAN DISEASE; NEUROPATHY, CONGENITAL SENSORY; NEUROPATHY, HEREDITARY SENSORY RADICULAR, AUTOSOMAL RECESSIVE; NEUROPATHY, HEREDITARY SENSORY, TYPE IIA; NEUROPATHY, PROGRESSIVE SENSORY, OF CHILDREN; ACROOSTEOLYSIS, GIACCAI TYPE. Identifiers: Orphanet 970, MedGen C2752089, MONDO:0024309, OMIM 201300.

Submission:

Centre for Mendelian Genomics, University Medical Centre Ljubljana
Classification: Uncertain significance for Neuropathy, hereditary sensory and autonomic, type 2A. Last evaluated: 2019-08-22. Review status: criteria provided, single submitter. Criteria: ACMG Guidelines, 2015. Collection method: clinical testing. Allele origin: unknown. Affected: yes.
Comment: This variant was classified as: Uncertain significance. The available evidence favors the pathogenic nature of this variant, however the currently available data is insufficient to conclusively support its pathogenic nature. Thus this variant is classified as Uncertain significance - favor pathogenic. The following ACMG criteria were applied in classifying this variant: PM2,PP2,PP3.